The following is an entry in ClinVar:

NM_002204.4(ITGA3):c.1685G>A (p.Arg562His)

Gene: ITGA3 (integrin subunit alpha 3; plus strand). Cytogenetic location: 17q21.33.
Variant type: single nucleotide variant.
Coding change: c.1685G>A on transcript NM_002204.4 (MANE Select); coding-DNA position 1685, G replaced by A.
Protein change: p.Arg562His; replaces arginine 562 with histidine.
Molecular consequence: missense variant.
Genome position (GRCh38, 1-based): chr17:50,076,336, G>A. VCF-style: chr17-50076336-G-A. GRCh37 (hg19) VCF-style: chr17-48153700-G-A.
Other names: short protein forms R562H.
Identifiers: ClinVar variation 3712233 (VCV003712233.2).
Genomic context (GRCh38, chr17:50,076,336, plus strand): 5'-TGGGGCAGGGAGCAGTGCAGGGCCGGGCTCAGCTCACCCTCTCTCCCCAGGACAACCTCC[G>A]TGACAAACTCCGCCCCATCATCATCTCCATGAACTACTCTTTACCTTTGCGGATGCCCGA-3'
Protein context (NP_002195.1, residues 552-572): KLELLLMDNL[Arg562His]DKLRPIIISM

ClinVar aggregate classification (germline): Uncertain significance (1 of 4 stars; one submission).

gnomAD v4.1: 9 of 1,613,422 alleles (0.00056%); highest among the groups gnomAD compares: South Asian, 0.0033%; no homozygotes.

Submission:

Labcorp Genetics (formerly Invitae), Labcorp
Classification: Uncertain significance. Last evaluated: 2025-01-02. Review status: criteria provided, single submitter. Criteria: Invitae Variant Classification Sherloc (09022015). Collection method: clinical testing. Allele origin: germline.
Comment: This sequence change replaces arginine, which is basic and polar, with histidine, which is basic and polar, at codon 562 of the ITGA3 protein (p.Arg562His). This variant is present in population databases (rs753123658, gnomAD 0.007%). This variant has not been reported in the literature in individuals affected with ITGA3-related conditions. Invitae Evidence Modeling of protein sequence and biophysical properties (such as structural, functional, and spatial information, amino acid conservation, physicochemical variation, residue mobility, and thermodynamic stability) indicates that this missense variant is not expected to disrupt ITGA3 protein function with a negative predictive value of 80%. In summary, the available evidence is currently insufficient to determine the role of this variant in disease. Therefore, it has been classified as a Variant of Uncertain Significance.